The following is an entry in ClinVar:

ClinVar aggregate classification (germline): Uncertain significance (1 of 4 stars; one submission).

Conditions:
Idiopathic generalized epilepsy. Also called: Generalised epilepsy; EIG. Identifiers: MedGen C0270850, MONDO:0005579, OMIM 600669.

Allele frequency attached by ClinVar (database versions not stated): gnomAD 0.00001; TOPMed 0.00003; gnomAD exomes 0.00006; ExAC 0.00013.
gnomAD v4.1: 54 of 1,613,598 alleles (0.0033%); highest among the groups gnomAD compares: Non-Finnish European, 0.0038%; no homozygotes.

Submission:

Labcorp Genetics (formerly Invitae), Labcorp
Classification: Uncertain significance for Idiopathic generalized epilepsy. Last evaluated: 2026-01-26. Review status: criteria provided, single submitter. Criteria: Invitae Variant Classification Sherloc (09022015). Collection method: clinical testing. Allele origin: germline.
Comment: This sequence change replaces valine, which is neutral and non-polar, with leucine, which is neutral and non-polar, at codon 357 of the RBFOX1 protein (p.Val357Leu). This variant is present in population databases (rs766496349, gnomAD 0.01%). This variant has not been reported in the literature in individuals affected with RBFOX1-related conditions. ClinVar contains an entry for this variant (Variation ID: 529514). Invitae Evidence Modeling of protein sequence and biophysical properties (such as structural, functional, and spatial information, amino acid conservation, physicochemical variation, residue mobility, and thermodynamic stability) indicates that this missense variant is not expected to disrupt RBFOX1 protein function with a negative predictive value of 80%. In summary, the available evidence is currently insufficient to determine the role of this variant in disease. Therefore, it has been classified as a Variant of Uncertain Significance.

NM_018723.4(RBFOX1):c.1006G>C (p.Val336Leu)

Genes: RBFOX1 (RNA binding fox-1 homolog 1; plus strand), LOC126862279 (MED14-independent group 3 enhancer GRCh37_chr16:7758954-7760153; plus strand). Cytogenetic location: 16p13.3.
Variant type: single nucleotide variant.
Coding change: c.1006G>C on transcript NM_018723.4 (MANE Select); coding-DNA position 1006, G replaced by C.
Protein change: p.Val336Leu; replaces valine 336 with leucine.
Molecular consequence: missense variant.
Genome position (GRCh38, 1-based): chr16:7,709,066, G>C. VCF-style: chr16-7709066-G-C. GRCh37 (hg19) VCF-style: chr16-7759068-G-C.
Other names: c.925G>C, p.Val309Leu (NM_001142333.2); c.1006G>C, p.Val336Leu (NM_001142334.2); c.1135G>C, p.Val379Leu (NM_001308117.1); c.1059G>C, p.Glu353Asp (NM_001364800.2); c.1069G>C, p.Val357Leu (NM_145891.3, NM_145892.3); c.1122G>C, p.Glu374Asp (NM_145893.3); short protein forms V336L, V357L, E353D, E374D, V309L, V379L.
Identifiers: ClinVar variation 529514 (VCV000529514.9), dbSNP rs766496349, ClinGen allele CA7891949.